The following is an entry in ClinVar:

ClinVar aggregate classification (germline): Likely pathogenic (1 of 4 stars; one submission).

Submission:

GeneDx
Classification: Likely pathogenic. Last evaluated: 2026-01-08. Review status: criteria provided, single submitter. Criteria: GeneDx Variant Classification Process June 2021. Collection method: clinical testing. Allele origin: germline.
Comment: This substitution is predicted to be within the extracellular loop between the S5 and S6 transmembrane segments of the fourth homologous domain; In silico analysis supports that this missense variant has a deleterious effect on protein structure/function; Not observed at significant frequency in large population cohorts (gnomAD); Has not been previously published as pathogenic or benign to our knowledge

NM_001330260.2(SCN8A):c.5054T>A (p.Met1685Lys)

Gene: SCN8A (sodium voltage-gated channel alpha subunit 8; plus strand). Cytogenetic location: 12q13.13.
Variant type: single nucleotide variant.
Coding change: c.5054T>A on transcript NM_001330260.2 (MANE Select); coding-DNA position 5054, T replaced by A.
Protein change: p.Met1685Lys; replaces methionine 1685 with lysine.
Molecular consequence: missense variant.
Genome position (GRCh38, 1-based): chr12:51,806,540, T>A. VCF-style: chr12-51806540-T-A. GRCh37 (hg19) VCF-style: chr12-52200324-T-A.
Other names: c.5054T>A (NM_001330260.1); c.4931T>A, p.Met1644Lys (NM_001177984.3, NM_001369788.1); c.5054T>A, p.Met1685Lys (NM_014191.4); short protein forms M1644K, M1685K.
Identifiers: ClinVar variation 4082617 (VCV004082617.2).